The following is an entry in ClinVar:

NM_001386298.1(CIC):c.429C>T (p.Thr143=)

Gene: CIC (capicua transcriptional repressor; plus strand). Cytogenetic location: 19q13.2.
Variant type: single nucleotide variant.
Coding change: c.429C>T on transcript NM_001386298.1 (MANE Select); coding-DNA position 429, C replaced by T.
Protein change: p.Thr143=; no amino-acid change (threonine 143 retained).
Molecular consequence: synonymous variant.
Genome position (GRCh38, 1-based): chr19:42,272,212, C>T. VCF-style: chr19-42272212-C-T. GRCh37 (hg19) VCF-style: chr19-42776364-C-T.
Other names: c.429C>T, p.Thr143= (NM_001304815.2, NM_001379480.1, NM_001379482.1 and 6 more transcripts).
Identifiers: ClinVar variation 4534329 (VCV004534329.6).
Genomic context (GRCh38, chr19:42,272,212, plus strand): 5'-GGAGGAGCACGGAGCTGGCAGCAGTGGGGTGGCTGGGGCCCCTGAAGAGCGGGTGCGGAC[C>T]CCTGAGGAGGCCAGTGGCCTGGGGGTGCCTCCACGGCCACCCACCTCCACTCGTTCCTCC-3'
Protein context (NP_001373227.1, residues 133-153): VAGAPEERVR[Thr143=]PEEASGLGVP

ClinVar aggregate classification (germline): Likely benign (1 of 4 stars; one submission).

gnomAD v4.1: 23 of 398,634 alleles (0.0058%); highest among the groups gnomAD compares: Admixed American, 0.044%; no homozygotes.

Submission:

CeGaT Center for Human Genetics Tuebingen
Classification: Likely benign. Last evaluated: 2025-11-01. Review status: criteria provided, single submitter. Criteria: CeGaT Center For Human Genetics Tuebingen Variant Classification Criteria Version 2. Collection method: clinical testing. Allele origin: germline. Affected: yes. Observed: 1 variant allele.
Comment: CIC: BP4, BP7